The following is an entry in ClinVar:

NM_130837.3(OPA1):c.507dup (p.Asp170Ter)

Gene: OPA1 (OPA1 mitochondrial dynamin like GTPase; plus strand). Cytogenetic location: 3q29.
Variant type: Duplication.
Coding change: c.507dup on transcript NM_130837.3 (MANE Select); coding-DNA position 507, one base duplicated (T; older notation c.507dupT).
Protein change: p.Asp170Ter; replaces aspartic acid 170 with a stop codon.
Molecular consequence: nonsense. On other transcripts: frameshift variant (1), intron variant (5).
Genome position (GRCh38, 1-based): chr3:193,617,236, T duplicated; the last of 3 consecutive T bases (chr3:193,617,234-193,617,236); duplicating any one gives the same sequence. VCF-style (leftmost placement, unchanged base first): chr3-193617233-C-CT. GRCh37 (hg19) VCF-style: chr3-193335022-C-CT.
Other names: c.507dupT (NM_130837.2); c.135dup, p.Asp46Ter (NM_001354664.2); c.507dup, p.Asp170Ter (NM_015560.3, NM_130834.3, NM_130836.3); c.76+1466dup (NM_001354663.2); c.449-548dup (NM_130835.3, NM_130832.3); c.448+1466dup (NM_130833.3, NM_130831.3); short protein forms D170*, D46*.
Identifiers: ClinVar variation 2630956 (VCV002630956.3), dbSNP rs2474599159, ClinGen allele CA2695199350.
Genomic context (GRCh38, chr3:193,617,233, plus strand): 5'-TCCAGAGAAAATTAGAAAAGCCCTTCCTAGTTCAGAAGACCTTGTAAAGTTAGCACCAGA[C>CT]TTTGACAAGATTGTTGAAAGCCTTAGCTTATTGAAGGACTTTTTTACCTCAGGTAAGGAA-3'

ClinVar aggregate classification (germline): Pathogenic/Likely pathogenic. Review status: criteria provided, multiple submitters, no conflicts (2 of 4 stars). 3 submissions from 3 submitters: Pathogenic (1); Likely pathogenic (2). Last evaluated 2026-04-22.

Conditions:
OPA1-related disorder. Also called: OPA1-related condition; OPA1-related disorders.

Submissions (3):

GeneDx
Classification: Likely pathogenic. Last evaluated: 2026-04-22. Review status: criteria provided, single submitter. Criteria: GeneDx Variant Classification Process June 2021. Collection method: clinical testing. Allele origin: germline.
Comment: Nonsense variant predicted to result in protein truncation or nonsense mediated decay in a gene for which loss of function is a known mechanism of disease; Not observed at significant frequency in large population cohorts (gnomAD); Has not been previously published as pathogenic or benign to our knowledge

Greenwood Genetic Center Diagnostic Laboratories, Greenwood Genetic Center
Classification: Likely pathogenic for OPA1-related disorder. Last evaluated: 2025-05-02. Review status: criteria provided, single submitter. Criteria: ACMG Guidelines, 2015. Collection method: clinical testing. Allele origin: germline. Affected: yes.
Comment: PVS1, PM2

PreventionGenetics, part of Exact Sciences
Classification: Pathogenic for OPA1-related condition. Last evaluated: 2023-08-28. Review status: criteria provided, single submitter. Criteria: ACMG Guidelines, 2015. Collection method: clinical testing. Allele origin: germline.
Comment: The OPA1 c.507dupT variant is predicted to result in premature protein termination (p.Asp170*). To our knowledge, this variant has not been reported in the literature or in a large population database, indicating this variant is rare. Nonsense variants in OPA1 are expected to be pathogenic, and therefore we interpret c.507dup (p.Asp170*) as pathogenic.